The following is an entry in ClinVar:

ClinVar aggregate classification (germline): Uncertain significance. Review status: criteria provided, multiple submitters, no conflicts (2 of 4 stars). 4 submissions from 4 submitters: Uncertain significance (3). 1 of the submissions does not count toward it. Last evaluated 2026-09-04.

Conditions:
Autosomal dominant polycystic kidney disease. Identifiers: Orphanet 730, MedGen C0085413, MONDO:0004691.
Polycystic kidney disease 2 (PKD2). Also called: POLYCYSTIC KIDNEY DISEASE 2 WITH OR WITHOUT POLYCYSTIC LIVER DISEASE; Polycystic Kidney Disease 2, Autosomal Dominant; POLYCYSTIC KIDNEY DISEASE, ADULT, TYPE II. Identifiers: MedGen C2751306, MONDO:0013131, OMIM 613095.
PKD2-related disorder. Also called: PKD2-related condition.
Inborn genetic diseases. Identifiers: MedGen C0950123, MeSH D030342.

Allele frequency attached by ClinVar (database versions not stated): gnomAD exomes below 0.00001.

Submissions (4):

PreventionGenetics, part of Exact Sciences
Classification: Uncertain significance for PKD2-related condition. Last evaluated: 2026-09-04. Review status: criteria provided, single submitter. Criteria: ACMG Guidelines, 2015. Collection method: clinical testing. Allele origin: germline.
Comment: The PKD2 c.1492C>T variant is predicted to result in the amino acid substitution p.His498Tyr. To our knowledge, this variant has not been reported in the literature or in a large population database (gnomAD), indicating this variant is rare. At this time, the clinical significance of this variant is uncertain due to the absence of conclusive functional and genetic evidence.

Ambry Genetics
Classification: Uncertain significance for Inborn genetic diseases. Last evaluated: 2025-09-10. Review status: criteria provided, single submitter. Criteria: Ambry Variant Classification Scheme 2023. Collection method: clinical testing. Allele origin: germline.

Labcorp Genetics (formerly Invitae), Labcorp
Classification: Uncertain significance for Autosomal dominant polycystic kidney disease. Last evaluated: 2023-11-14. Review status: criteria provided, single submitter. Criteria: Invitae Variant Classification Sherloc (09022015). Collection method: clinical testing. Allele origin: germline.
Comment: This sequence change replaces histidine, which is basic and polar, with tyrosine, which is neutral and polar, at codon 498 of the PKD2 protein (p.His498Tyr). This variant is not present in population databases (gnomAD no frequency). This variant has not been reported in the literature in individuals affected with PKD2-related conditions. ClinVar contains an entry for this variant (Variation ID: 559506). Advanced modeling of protein sequence and biophysical properties (such as structural, functional, and spatial information, amino acid conservation, physicochemical variation, residue mobility, and thermodynamic stability) performed at Invitae indicates that this missense variant is expected to disrupt PKD2 protein function with a positive predictive value of 80%. In summary, the available evidence is currently insufficient to determine the role of this variant in disease. Therefore, it has been classified as a Variant of Uncertain Significance.

Institute of Human Genetics, Cologne University
Classification: Uncertain significance for Polycystic kidney disease 2. Review status: no assertion criteria provided. Collection method: clinical testing. Allele origin: unknown. Inheritance: Autosomal dominant inheritance. Affected: yes. Observed: 1 variant allele, 1 heterozygote. Not counted in ClinVar's aggregate classification.

NM_000297.4(PKD2):c.1492C>T (p.His498Tyr)

Gene: PKD2 (polycystin 2, transient receptor potential cation channel; plus strand). Cytogenetic location: 4q22.1.
Variant type: single nucleotide variant.
Coding change: c.1492C>T on transcript NM_000297.4 (MANE Select); coding-DNA position 1492, C replaced by T.
Protein change: p.His498Tyr; replaces histidine 498 with tyrosine.
Molecular consequence: missense variant. On other transcripts: non-coding transcript variant (1).
Genome position (GRCh38, 1-based): chr4:88,046,814, C>T. VCF-style: chr4-88046814-C-T. GRCh37 (hg19) VCF-style: chr4-88967966-C-T.
Other names: short protein forms H498Y.
Identifiers: ClinVar variation 559506 (VCV000559506.6), dbSNP rs1553926080, ClinGen allele CA357619618.